The following is an entry in ClinVar:

NM_001122681.2(SH3BP2):c.171C>T (p.Cys57=)

Gene: SH3BP2 (SH3 domain binding protein 2; plus strand). Cytogenetic location: 4p16.3.
Variant type: single nucleotide variant.
Coding change: c.171C>T on transcript NM_001122681.2 (MANE Select); coding-DNA position 171, C replaced by T.
Protein change: p.Cys57=; no amino-acid change (cysteine 57 retained).
Molecular consequence: synonymous variant.
Genome position (GRCh38, 1-based): chr4:2,822,969, C>T. VCF-style: chr4-2822969-C-T. GRCh37 (hg19) VCF-style: chr4-2824696-C-T.
Other names: p.Cys57=; c.255C>T, p.Cys85= (NM_001145855.2, LRG_1334t2); c.342C>T, p.Cys114= (NM_001145856.2); c.171C>T, p.Cys57= (NM_003023.4, LRG_1334t1).
Identifiers: ClinVar variation 348566 (VCV000348566.20), dbSNP rs113748730, ClinGen allele CA2818930.

ClinVar aggregate classification (germline): Benign. Review status: criteria provided, multiple submitters, no conflicts (2 of 4 stars). 6 submissions from 6 submitters: Benign (5). 1 of the submissions does not count toward it. Last evaluated 2026-01-28.

Conditions:
SH3BP2-related disorder. Also called: SH3BP2-related condition.
Fibrous dysplasia of jaw (CRBM). Also called: Cherubism. Identifiers: Orphanet 184, MedGen C0008029, MONDO:0007315, OMIM 118400.

Allele frequency attached by ClinVar (database versions not stated): gnomAD exomes 0.00077 and 0.00192; ExAC 0.00254; gnomAD 0.00757 and 0.00794; TOPMed 0.00824; ESP Exome Variant Server 0.00884; 1000 Genomes Project 0.00938; 1000 Genomes Project 30x 0.01015.
gnomAD v4.1: 2,334 of 1,614,040 alleles (0.14%); highest among the groups gnomAD compares: African/African-American, 2.7%; 26 homozygotes.

Submissions (6):

Labcorp Genetics (formerly Invitae), Labcorp
Classification: Benign for Fibrous dysplasia of jaw. Last evaluated: 2026-01-28. Review status: criteria provided, single submitter. Criteria: Invitae Variant Classification Sherloc (09022015). Collection method: clinical testing. Allele origin: germline.

Women's Health and Genetics/Laboratory Corporation of America, LabCorp
Classification: Benign. Last evaluated: 2026-01-23. Review status: criteria provided, single submitter. Criteria: LabCorp Variant Classification Summary - May 2015. Collection method: clinical testing. Allele origin: germline.

Mayo Clinic Laboratories, Mayo Clinic
Classification: Benign. Last evaluated: 2025-01-06. Review status: criteria provided, single submitter. Criteria: ACMG Guidelines, 2015. Collection method: clinical testing. Allele origin: germline. Observed: 2 variant alleles.
Comment: BS1, BS2, BP4, BP7

Illumina Laboratory Services, Illumina
Classification: Benign for Fibrous dysplasia of jaw. Last evaluated: 2018-01-13. Review status: criteria provided, single submitter. Criteria: ICSL Variant Classification Criteria 13 December 2019. Collection method: clinical testing. Allele origin: germline.
Comment: This variant was observed in the ICSL laboratory as part of a predisposition screen in an ostensibly healthy population. It had not been previously curated by ICSL or reported in the Human Gene Mutation Database (HGMD: prior to June 1st, 2018), and was therefore a candidate for classification through an automated scoring system. Utilizing variant allele frequency, disease prevalence and penetrance estimates, and inheritance mode, an automated score was calculated to assess if this variant is too frequent to cause the disease. Based on the score and internal cut-off values, a variant classified as benign is not then subjected to further curation. The score for this variant resulted in a classification of benign for this disease.

Breakthrough Genomics
Classification: Benign. Review status: criteria provided, single submitter. Criteria: ACMG Guidelines, 2015. Collection method: not provided. Allele origin: germline. Inheritance: Autosomal dominant inheritance. Affected: yes.

PreventionGenetics, part of Exact Sciences
Classification: Benign for SH3BP2-related condition. Last evaluated: 2019-07-11. Review status: no assertion criteria provided. Collection method: clinical testing. Allele origin: germline. Not counted in ClinVar's aggregate classification.
Comment: This variant is classified as benign based on ACMG/AMP sequence variant interpretation guidelines (Richards et al. 2015 PMID: 25741868, with internal and published modifications).